The following is an entry in ClinVar:

ClinVar aggregate classification (germline): Uncertain significance (1 of 4 stars; one submission).

Conditions:
Polydactyly, postaxial, type A1. Identifiers: MedGen C4282400, MONDO:0008266, OMIM 174200.

Submission:

Neuberg Centre For Genomic Medicine, NCGM
Classification: Uncertain significance for Polydactyly, postaxial, type A1. Review status: criteria provided, single submitter. Criteria: ACMG Guidelines, 2015. Collection method: clinical testing. Allele origin: germline. Inheritance: Autosomal dominant inheritance. Affected: yes.
Comment: The missense variant in c.1846A>G (p.Lys616Glu) in GLI3 gene has not been reported previously as a pathogenic variant nor as a benign variant, to our knowledge. The p.Lys616Glu variant is novel (not in any individuals) in gnomAD Exomes and 1000 Genomes. This variant has not been reported to the ClinVar database. The amino acid Lys at position 616 is changed to a Glu changing protein sequence and it might alter its composition and physico-chemical properties. The variant is predicted to be damaging by both SIFT and PolyPhen2. The amino acid change p.Lys616Glu in GLI3 is predicted as conserved by GERP++ and PhyloP across 100 vertebrates. For these reasons, this variant has been classified as Uncertain Significance (VUS).

NM_000168.6(GLI3):c.1846A>G (p.Lys616Glu)

Gene: GLI3 (GLI family zinc finger 3; minus strand). Cytogenetic location: 7p14.1.
Variant type: single nucleotide variant.
Coding change: c.1846A>G on transcript NM_000168.6 (MANE Select); coding-DNA position 1846, A replaced by G.
Protein change: p.Lys616Glu; replaces lysine 616 with glutamic acid.
Molecular consequence: missense variant.
Genome position (GRCh38, 1-based): chr7:41,972,594, T>C on the plus strand (A>G on the coding strand, the complement: GLI3 is on the minus strand). VCF-style: chr7-41972594-T-C. GRCh37 (hg19) VCF-style: chr7-42012193-T-C.
Other names: short protein forms K616E.
Identifiers: ClinVar variation 2585479 (VCV002585479.1), dbSNP rs2484419626, ClinGen allele CA367322779.